The following is an entry in ClinVar:

NM_002500.5(NEUROD1):c.596A>G (p.Gln199Arg)

Gene: NEUROD1 (neuronal differentiation 1; minus strand). Cytogenetic location: 2q31.3.
Variant type: single nucleotide variant.
Coding change: c.596A>G on transcript NM_002500.5 (MANE Select); coding-DNA position 596, A replaced by G.
Protein change: p.Gln199Arg; replaces glutamine 199 with arginine.
Molecular consequence: missense variant.
Genome position (GRCh38, 1-based): chr2:181,678,265, T>C on the plus strand (A>G on the coding strand, the complement: NEUROD1 is on the minus strand). VCF-style: chr2-181678265-T-C. GRCh37 (hg19) VCF-style: chr2-182542992-T-C.
Other names: short protein forms Q199R.
Identifiers: ClinVar variation 2016539 (VCV002016539.4), dbSNP rs2468610162, ClinGen allele CA349783989.

ClinVar aggregate classification (germline): Uncertain significance (1 of 4 stars; one submission).

Submission:

Labcorp Genetics (formerly Invitae), Labcorp
Classification: Uncertain significance. Last evaluated: 2022-07-13. Review status: criteria provided, single submitter. Criteria: Invitae Variant Classification Sherloc (09022015). Collection method: clinical testing. Allele origin: germline.
Comment: This sequence change replaces glutamine, which is neutral and polar, with arginine, which is basic and polar, at codon 199 of the NEUROD1 protein (p.Gln199Arg). This variant is not present in population databases (gnomAD no frequency). This variant has not been reported in the literature in individuals affected with NEUROD1-related conditions. Algorithms developed to predict the effect of missense changes on protein structure and function are either unavailable or do not agree on the potential impact of this missense change (SIFT: "Deleterious"; PolyPhen-2: "Benign"; Align-GVGD: "Class C35"). In summary, the available evidence is currently insufficient to determine the role of this variant in disease. Therefore, it has been classified as a Variant of Uncertain Significance.